The following is an entry in ClinVar:

ClinVar aggregate classification (germline): Uncertain significance. Review status: criteria provided, multiple submitters, no conflicts (2 of 4 stars). 5 submissions from 5 submitters: Uncertain significance (5). Last evaluated 2026-09-14.

Conditions:
ATM-related cancer predisposition. Also called: ATM-related cancer susceptibility. Identifiers: MedGen CN377759, MONDO:0700270.
Ataxia-telangiectasia syndrome (AT). Also called: Cerebello-oculocutaneous telangiectasia; Immunodeficiency with ataxia telangiectasia; Ataxia-telangiectasia, complementation group D; AT, COMPLEMENTATION GROUP C; ATAXIA-TELANGIECTASIA, COMPLEMENTATION GROUP A; ATAXIA-TELANGIECTASIA, FRESNO VARIANT. Identifiers: Orphanet 100, MedGen C0004135, MONDO:0008840, OMIM 208900.
Hereditary cancer-predisposing syndrome. Also called: Hereditary Cancer Syndrome; Tumor predisposition; Hereditary neoplastic syndrome; Neoplastic Syndromes, Hereditary. Identifiers: Orphanet 140162, MedGen C0027672, MeSH D009386, MONDO:0015356.

Allele frequency attached by ClinVar (database versions not stated): gnomAD exomes below 0.00001.
gnomAD v4.1: 1 of 1,613,658 alleles (0.000062%); highest among the groups gnomAD compares: Non-Finnish European, 0.000085%; no homozygotes.

Submissions (5):

Hema, HEMA – Genetic and Molecular Diagnostic Laboratory
Classification: Uncertain significance for ATM-related cancer predisposition. Last evaluated: 2026-09-14. Review status: criteria provided, single submitter. Criteria: HEMA Variant Classification Assertion Criteria. Collection method: clinical testing. Allele origin: germline.
Comment: The c.620C>G variant is a transversion from cytosine to guanine, resulting in the substitution of serine 207 with cysteine in the ATM protein. PM2_Supporting: Present at very low frequency in gnomAD v4.1.2. BP4: The computational meta-predictor REVEL score = 0.036 ≤ 0.249, indicating that the variant is not likely to have an effect on the ATM protein.

Center for Genomic Medicine, Rigshospitalet, Copenhagen University Hospital
Classification: Uncertain significance. Last evaluated: 2025-12-29. Review status: criteria provided, single submitter. Criteria: ACMG Guidelines, 2015. Collection method: clinical testing. Allele origin: germline.
Comment: Classification criteria: BP4

Ambry Genetics
Classification: Uncertain significance for Hereditary cancer-predisposing syndrome. Last evaluated: 2025-07-17. Review status: criteria provided, single submitter. Criteria: Ambry Variant Classification Scheme 2023. Collection method: clinical testing. Allele origin: germline.
Comment: The p.S207C variant (also known as c.620C>G), located in coding exon 5 of the ATM gene, results from a C to G substitution at nucleotide position 620. The serine at codon 207 is replaced by cysteine, an amino acid with dissimilar properties. This amino acid position is poorly conserved in available vertebrate species. In addition, this alteration is predicted to be tolerated by in silico analysis. Since supporting evidence is limited at this time, the clinical significance of this alteration remains unclear.

Labcorp Genetics (formerly Invitae), Labcorp
Classification: Uncertain significance for Ataxia-telangiectasia syndrome. Last evaluated: 2023-09-10. Review status: criteria provided, single submitter. Criteria: Invitae Variant Classification Sherloc (09022015). Collection method: clinical testing. Allele origin: germline.
Comment: This sequence change replaces serine, which is neutral and polar, with cysteine, which is neutral and slightly polar, at codon 207 of the ATM protein (p.Ser207Cys). This variant is not present in population databases (gnomAD no frequency). This variant has not been reported in the literature in individuals affected with ATM-related conditions. ClinVar contains an entry for this variant (Variation ID: 233265). An algorithm developed to predict the effect of missense changes on protein structure and function (PolyPhen-2) suggests that this variant is likely to be disruptive. In summary, the available evidence is currently insufficient to determine the role of this variant in disease. Therefore, it has been classified as a Variant of Uncertain Significance.

Color Diagnostics, LLC DBA Color Health
Classification: Uncertain significance for Hereditary cancer-predisposing syndrome. Last evaluated: 2021-07-27. Review status: criteria provided, single submitter. Criteria: ACMG Guidelines, 2015. Collection method: clinical testing. Allele origin: germline.
Comment: This missense variant replaces serine with cysteine at codon 207 of the ATM protein. Computational prediction suggests that this variant may not impact protein structure and function (internally defined REVEL score threshold <= 0.5, PMID: 27666373). To our knowledge, functional studies have not been reported for this variant. This variant has not been reported in individuals affected with hereditary cancer in the literature. This variant has not been identified in the general population by the Genome Aggregation Database (gnomAD). The available evidence is insufficient to determine the role of this variant in disease conclusively. Therefore, this variant is classified as a Variant of Uncertain Significance.

NM_000051.4(ATM):c.620C>G (p.Ser207Cys)

Gene: ATM (ATM serine/threonine kinase; plus strand). Cytogenetic location: 11q22.3.
Variant type: single nucleotide variant.
Coding change: c.620C>G on transcript NM_000051.4 (MANE Select); coding-DNA position 620, C replaced by G.
Protein change: p.Ser207Cys; replaces serine 207 with cysteine.
Molecular consequence: missense variant.
Genome position (GRCh38, 1-based): chr11:108,244,076, C>G. VCF-style: chr11-108244076-C-G. GRCh37 (hg19) VCF-style: chr11-108114803-C-G.
Other names: c.620C>G, p.Ser207Cys (NM_001351834.2); short protein forms S207C.
Identifiers: ClinVar variation 233265 (VCV000233265.17), dbSNP rs876660296, ClinGen allele CA10578967.